The following is an entry in ClinVar:

NM_006949.4(STXBP2):c.242A>G (p.Glu81Gly)

Gene: STXBP2 (syntaxin binding protein 2; plus strand). Cytogenetic location: 19p13.2.
Variant type: single nucleotide variant.
Coding change: c.242A>G on transcript NM_006949.4 (MANE Select); coding-DNA position 242, A replaced by G.
Protein change: p.Glu81Gly; replaces glutamic acid 81 with glycine.
Molecular consequence: missense variant. On other transcripts: non-coding transcript variant (1).
Genome position (GRCh38, 1-based): chr19:7,639,803, A>G. VCF-style: chr19-7639803-A-G. GRCh37 (hg19) VCF-style: chr19-7704689-A-G.
Other names: c.242A>G, p.Glu81Gly (NM_001127396.3, NM_001272034.2); short protein forms E81G.
Identifiers: ClinVar variation 1494082 (VCV001494082.3), dbSNP rs779176001, ClinGen allele CA403155631.

ClinVar aggregate classification (germline): Uncertain significance (1 of 4 stars; one submission).

Conditions:
Familial hemophagocytic lymphohistiocytosis 5. Also called: STXBP2-Related Familial Hemophagocytic Lymphohistiocytosis (STXBP2-fHLH). Identifiers: Orphanet 540, MedGen C2751293, MONDO:0013135, OMIM 613101.

Allele frequency attached by ClinVar (database versions not stated): gnomAD exomes below 0.00001; gnomAD 0.00001; TOPMed 0.00001.
gnomAD v4.1: 7 of 1,613,780 alleles (0.00043%); highest among the groups gnomAD compares: Non-Finnish European, 0.00042%; no homozygotes.

Submission:

Labcorp Genetics (formerly Invitae), Labcorp
Classification: Uncertain significance for Familial hemophagocytic lymphohistiocytosis 5. Last evaluated: 2022-10-14. Review status: criteria provided, single submitter. Criteria: Invitae Variant Classification Sherloc (09022015). Collection method: clinical testing. Allele origin: germline.
Comment: This sequence change replaces glutamic acid, which is acidic and polar, with glycine, which is neutral and non-polar, at codon 81 of the STXBP2 protein (p.Glu81Gly). This variant is present in population databases (no rsID available, gnomAD no frequency). This variant has not been reported in the literature in individuals affected with STXBP2-related conditions. ClinVar contains an entry for this variant (Variation ID: 1494082). Advanced modeling of protein sequence and biophysical properties (such as structural, functional, and spatial information, amino acid conservation, physicochemical variation, residue mobility, and thermodynamic stability) performed at Invitae indicates that this missense variant is expected to disrupt STXBP2 protein function. Algorithms developed to predict the effect of sequence changes on RNA splicing suggest that this variant may disrupt the consensus splice site. In summary, the available evidence is currently insufficient to determine the role of this variant in disease. Therefore, it has been classified as a Variant of Uncertain Significance.